The following is an entry in ClinVar:

NM_020632.3(ATP6V0A4):c.2430-3C>T

Gene: ATP6V0A4 (ATPase H+ transporting V0 subunit a4; minus strand). Cytogenetic location: 7q34.
Variant type: single nucleotide variant.
Coding change: c.2430-3C>T on transcript NM_020632.3 (MANE Select); 3 bases into the intron before coding-DNA position 2430, C replaced by T.
Molecular consequence: intron variant.
Genome position (GRCh38, 1-based): chr7:138,706,720, G>A on the plus strand (C>T on the coding strand, the complement: ATP6V0A4 is on the minus strand). VCF-style: chr7-138706720-G-A. GRCh37 (hg19) VCF-style: chr7-138391465-G-A.
Other names: c.2430-3C>T (NM_130840.3, NM_130841.3).
Identifiers: ClinVar variation 3378240 (VCV003378240.1).

ClinVar aggregate classification (germline): Uncertain significance (1 of 4 stars; one submission).

Submission:

GeneDx
Classification: Uncertain significance. Last evaluated: 2024-05-14. Review status: criteria provided, single submitter. Criteria: GeneDx Variant Classification Process June 2021. Collection method: clinical testing. Allele origin: germline. Affected: yes.
Comment: Not observed at significant frequency in large population cohorts (gnomAD); In silico analysis indicates that this variant does not alter splicing; Has not been previously published as pathogenic or benign to our knowledge